The following is an entry in ClinVar:

ClinVar aggregate classification (germline): Uncertain significance. Review status: criteria provided, multiple submitters, no conflicts (2 of 4 stars). 2 submissions from 2 submitters: Uncertain significance (2). Last evaluated 2025-05-28.

Conditions:
Inborn genetic diseases. Identifiers: MedGen C0950123, MeSH D030342.

Allele frequency attached by ClinVar (database versions not stated): gnomAD exomes below 0.00001.
gnomAD v4.1: 5 of 1,460,198 alleles (0.00034%); highest among the groups gnomAD compares: Non-Finnish European, 0.00045%; no homozygotes.

Submissions (2):

Ambry Genetics
Classification: Uncertain significance for Inborn genetic diseases. Last evaluated: 2025-05-28. Review status: criteria provided, single submitter. Criteria: Ambry Variant Classification Scheme 2023. Collection method: clinical testing. Allele origin: germline.
Comment: The c.1156C>T (p.P386S) alteration is located in exon 1 (coding exon 1) of the CDK13 gene. This alteration results from a C to T substitution at nucleotide position 1156, causing the proline (P) at amino acid position 386 to be replaced by a serine (S). This variant was not reported in population-based cohorts in the Genome Aggregation Database (gnomAD). This amino acid position is highly conserved in available vertebrate species. This alteration is predicted to be tolerated by in silico analysis. Based on insufficient or conflicting evidence, the clinical significance of this alteration remains unclear.

Labcorp Genetics (formerly Invitae), Labcorp
Classification: Uncertain significance. Last evaluated: 2024-07-08. Review status: criteria provided, single submitter. Criteria: Invitae Variant Classification Sherloc (09022015). Collection method: clinical testing. Allele origin: germline.
Comment: This sequence change replaces proline, which is neutral and non-polar, with serine, which is neutral and polar, at codon 386 of the CDK13 protein (p.Pro386Ser). This variant is not present in population databases (gnomAD no frequency). This variant has not been reported in the literature in individuals affected with CDK13-related conditions. ClinVar contains an entry for this variant (Variation ID: 2087888). Advanced modeling of protein sequence and biophysical properties (such as structural, functional, and spatial information, amino acid conservation, physicochemical variation, residue mobility, and thermodynamic stability) performed at Invitae indicates that this missense variant is expected to disrupt CDK13 protein function with a positive predictive value of 80%. In summary, the available evidence is currently insufficient to determine the role of this variant in disease. Therefore, it has been classified as a Variant of Uncertain Significance.

NM_003718.5(CDK13):c.1156C>T (p.Pro386Ser)

Gene: CDK13 (cyclin dependent kinase 13; plus strand). Cytogenetic location: 7p14.1.
Variant type: single nucleotide variant.
Coding change: c.1156C>T on transcript NM_003718.5 (MANE Select); coding-DNA position 1156, C replaced by T.
Protein change: p.Pro386Ser; replaces proline 386 with serine.
Molecular consequence: missense variant.
Genome position (GRCh38, 1-based): chr7:39,951,797, C>T. VCF-style: chr7-39951797-C-T. GRCh37 (hg19) VCF-style: chr7-39991396-C-T.
Other names: c.1156C>T, p.Pro386Ser (NM_031267.4); short protein forms P386S.
Identifiers: ClinVar variation 2087888 (VCV002087888.8), dbSNP rs2483677863, ClinGen allele CA367311748.